The following is an entry in ClinVar:

ClinVar aggregate classification (germline): Uncertain significance (1 of 4 stars; one submission).

Allele frequency attached by ClinVar (database versions not stated): gnomAD exomes below 0.00001; TOPMed below 0.00001; gnomAD 0.00001.

Submission:

Labcorp Genetics (formerly Invitae), Labcorp
Classification: Uncertain significance. Last evaluated: 2022-09-24. Review status: criteria provided, single submitter. Criteria: Invitae Variant Classification Sherloc (09022015). Collection method: clinical testing. Allele origin: germline.
Comment: This sequence change falls in intron 5 of the MAP3K8 gene. It does not directly change the encoded amino acid sequence of the MAP3K8 protein. It affects a nucleotide within the consensus splice site. This variant is not present in population databases (gnomAD no frequency). This variant has not been reported in the literature in individuals affected with MAP3K8-related conditions. Variants that disrupt the consensus splice site are a relatively common cause of aberrant splicing (PMID: 17576681, 9536098). Algorithms developed to predict the effect of sequence changes on RNA splicing suggest that this variant is not likely to affect RNA splicing. In summary, the available evidence is currently insufficient to determine the role of this variant in disease. Therefore, it has been classified as a Variant of Uncertain Significance.

Literature cited by the submitters: PubMed 17576681; PubMed 9536098.

NM_005204.4(MAP3K8):c.766+6T>C

Gene: MAP3K8 (mitogen-activated protein kinase kinase kinase 8; plus strand). Cytogenetic location: 10p11.23.
Variant type: single nucleotide variant.
Coding change: c.766+6T>C on transcript NM_005204.4 (MANE Select); 6 bases into the intron after coding-DNA position 766, T replaced by C.
Molecular consequence: intron variant.
Genome position (GRCh38, 1-based): chr10:30,450,525, T>C. VCF-style: chr10-30450525-T-C. GRCh37 (hg19) VCF-style: chr10-30739454-T-C.
Other names: c.766+6T>C (NM_001244134.1, NM_001320961.2).
Identifiers: ClinVar variation 2168778 (VCV002168778.4), dbSNP rs923748354, ClinGen allele CA205314265.